The following is an entry in ClinVar:

ClinVar aggregate classification (germline): Uncertain significance (1 of 4 stars; one submission).

Conditions:
Cardiovascular phenotype. Identifiers: MedGen CN230736.

gnomAD v4.1: 2 of 1,607,076 alleles (0.00012%); highest among the groups gnomAD compares: Non-Finnish European, 0.00017%; no homozygotes.

Submission:

Ambry Genetics
Classification: Uncertain significance for Cardiovascular phenotype. Last evaluated: 2025-04-12. Review status: criteria provided, single submitter. Criteria: Ambry Variant Classification Scheme 2023. Collection method: clinical testing. Allele origin: germline.
Comment: The p.S16C variant (also known as c.47C>G), located in coding exon 1 of the CACNA2D1 gene, results from a C to G substitution at nucleotide position 47. The serine at codon 16 is replaced by cysteine, an amino acid with dissimilar properties. This amino acid position is conserved. In addition, this alteration is predicted to be tolerated by in silico analysis. Based on the available evidence, the clinical significance of this variant remains unclear.

NM_000722.4(CACNA2D1):c.47C>G (p.Ser16Cys)

Gene: CACNA2D1 (calcium voltage-gated channel auxiliary subunit alpha2delta 1; minus strand). Cytogenetic location: 7q21.11.
Variant type: single nucleotide variant.
Coding change: c.47C>G on transcript NM_000722.4 (MANE Select); coding-DNA position 47, C replaced by G.
Protein change: p.Ser16Cys; replaces serine 16 with cysteine.
Molecular consequence: missense variant.
Genome position (GRCh38, 1-based): chr7:82,443,413, G>C on the plus strand (C>G on the coding strand, the complement: CACNA2D1 is on the minus strand). VCF-style: chr7-82443413-G-C. GRCh37 (hg19) VCF-style: chr7-82072729-G-C.
Other names: c.47C>G, p.Ser16Cys (NM_001302890.2, NM_001366867.1); short protein forms S16C.
Identifiers: ClinVar variation 3994522 (VCV003994522.1).